The following is an entry in ClinVar:

ClinVar aggregate classification (germline): Uncertain significance (1 of 4 stars; one submission).

Allele frequency attached by ClinVar (database versions not stated): gnomAD exomes below 0.00001; ExAC 0.00001.

Submission:

Labcorp Genetics (formerly Invitae), Labcorp
Classification: Uncertain significance. Last evaluated: 2022-03-19. Review status: criteria provided, single submitter. Criteria: Invitae Variant Classification Sherloc (09022015). Collection method: clinical testing. Allele origin: germline.
Comment: This sequence change replaces serine, which is neutral and polar, with tyrosine, which is neutral and polar, at codon 342 of the MED17 protein (p.Ser342Tyr). This variant is present in population databases (rs779493418, gnomAD 0.003%). This variant has not been reported in the literature in individuals affected with MED17-related conditions. Algorithms developed to predict the effect of missense changes on protein structure and function (SIFT, PolyPhen-2, Align-GVGD) all suggest that this variant is likely to be tolerated. In summary, the available evidence is currently insufficient to determine the role of this variant in disease. Therefore, it has been classified as a Variant of Uncertain Significance.

NM_004268.5(MED17):c.1025C>A (p.Ser342Tyr)

Gene: MED17 (mediator complex subunit 17; plus strand). Cytogenetic location: 11q21.
Variant type: single nucleotide variant.
Coding change: c.1025C>A on transcript NM_004268.5 (MANE Select); coding-DNA position 1025, C replaced by A.
Protein change: p.Ser342Tyr; replaces serine 342 with tyrosine.
Molecular consequence: missense variant.
Genome position (GRCh38, 1-based): chr11:93,796,422, C>A. VCF-style: chr11-93796422-C-A. GRCh37 (hg19) VCF-style: chr11-93529588-C-A.
Other names: short protein forms S342Y.
Identifiers: ClinVar variation 1504598 (VCV001504598.5), dbSNP rs779493418, ClinGen allele CA6232507.
Genomic context (GRCh38, chr11:93,796,422, plus strand): 5'-TCCATATTTCAGGTTATTTACATATGTCCTCCTTCTTTTTATAAATAGGCTTGCAGTTAT[C>A]TATTTCTTTGTGCCATTCCTCAAATGATAAGAAATCCCAAAAATTTGCTACTGAGAAGCA-3'
Protein context (NP_004259.3, residues 332-352): ISQPFPSLQL[Ser342Tyr]ISLCHSSNDK